The following is an entry in ClinVar:

ClinVar aggregate classification (germline): Uncertain significance (1 of 4 stars; one submission).

Submission:

Labcorp Genetics (formerly Invitae), Labcorp
Classification: Uncertain significance. Last evaluated: 2021-12-20. Review status: criteria provided, single submitter. Criteria: Invitae Variant Classification Sherloc (09022015). Collection method: clinical testing. Allele origin: germline.
Comment: This sequence change replaces phenylalanine, which is neutral and non-polar, with leucine, which is neutral and non-polar, at codon 1479 of the MYO7A protein (p.Phe1479Leu). This variant is not present in population databases (gnomAD no frequency). This variant has not been reported in the literature in individuals affected with MYO7A-related conditions. Advanced modeling of protein sequence and biophysical properties (such as structural, functional, and spatial information, amino acid conservation, physicochemical variation, residue mobility, and thermodynamic stability) performed at Invitae indicates that this missense variant is not expected to disrupt MYO7A protein function. In summary, the available evidence is currently insufficient to determine the role of this variant in disease. Therefore, it has been classified as a Variant of Uncertain Significance.

NM_000260.4(MYO7A):c.4437C>A (p.Phe1479Leu)

Gene: MYO7A (myosin VIIA; plus strand). Cytogenetic location: 11q13.5.
Variant type: single nucleotide variant.
Coding change: c.4437C>A on transcript NM_000260.4 (MANE Select); coding-DNA position 4437, C replaced by A.
Protein change: p.Phe1479Leu; replaces phenylalanine 1479 with leucine.
Molecular consequence: missense variant.
Genome position (GRCh38, 1-based): chr11:77,197,594, C>A. VCF-style: chr11-77197594-C-A. GRCh37 (hg19) VCF-style: chr11-76908639-C-A.
Other names: c.4437C>A, p.Phe1479Leu (NM_001127180.2); c.4404C>A, p.Phe1468Leu (NM_001369365.1); short protein forms F1468L, F1479L.
Identifiers: ClinVar variation 2050808 (VCV002050808.1), dbSNP rs377762390, ClinGen allele CA224848382.